The following is an entry in ClinVar:

NM_007118.4(TRIO):c.7653C>T (p.Ser2551=)

Gene: TRIO (trio Rho guanine nucleotide exchange factor; plus strand). Cytogenetic location: 5p15.2.
Variant type: single nucleotide variant.
Coding change: c.7653C>T on transcript NM_007118.4 (MANE Select); coding-DNA position 7653, C replaced by T.
Protein change: p.Ser2551=; no amino-acid change (serine 2551 retained).
Molecular consequence: synonymous variant. On other transcripts: non-coding transcript variant (1).
Genome position (GRCh38, 1-based): chr5:14,492,587, C>T. VCF-style: chr5-14492587-C-T. GRCh37 (hg19) VCF-style: chr5-14492696-C-T.
Identifiers: ClinVar variation 3057670 (VCV003057670.2), dbSNP rs200075312, ClinGen allele CA3207591.

ClinVar aggregate classification (germline): Likely benign (0 of 4 stars; one submission).

Conditions:
TRIO-related disorder. Also called: TRIO-related disorders; TRIO-related condition.

Allele frequency attached by ClinVar (database versions not stated): gnomAD exomes below 0.00001; ExAC 0.00002; TOPMed 0.00002; gnomAD 0.00003; 1000 Genomes Project 30x 0.00016; 1000 Genomes Project 0.00020.
gnomAD v4.1: 7 of 1,614,138 alleles (0.00043%); highest among the groups gnomAD compares: African/African-American, 0.0067%; no homozygotes.

Submission:

PreventionGenetics, part of Exact Sciences
Classification: Likely benign for TRIO-related condition. Last evaluated: 2019-03-01. Review status: no assertion criteria provided. Collection method: clinical testing. Allele origin: germline.
Comment: This variant is classified as likely benign based on ACMG/AMP sequence variant interpretation guidelines (Richards et al. 2015 PMID: 25741868, with internal and published modifications).